The following is an entry in ClinVar:

ClinVar aggregate classification (germline): Uncertain significance (1 of 4 stars; one submission).

Allele frequency attached by ClinVar (database versions not stated): gnomAD exomes below 0.00001.
gnomAD v4.1: 1 of 1,542,768 alleles (0.000065%); highest among the groups gnomAD compares: South Asian, 0.0013%; no homozygotes.

Submission:

Labcorp Genetics (formerly Invitae), Labcorp
Classification: Uncertain significance. Last evaluated: 2023-08-04. Review status: criteria provided, single submitter. Criteria: Invitae Variant Classification Sherloc (09022015). Collection method: clinical testing. Allele origin: germline.
Comment: This sequence change falls in intron 5 of the MYSM1 gene. It does not directly change the encoded amino acid sequence of the MYSM1 protein. It affects a nucleotide within the consensus splice site. This variant is not present in population databases (gnomAD no frequency). This variant has not been reported in the literature in individuals affected with MYSM1-related conditions. ClinVar contains an entry for this variant (Variation ID: 1511214). Variants that disrupt the consensus splice site are a relatively common cause of aberrant splicing (PMID: 17576681, 9536098). Algorithms developed to predict the effect of sequence changes on RNA splicing suggest that this variant may disrupt the consensus splice site. In summary, the available evidence is currently insufficient to determine the role of this variant in disease. Therefore, it has been classified as a Variant of Uncertain Significance.

Literature cited by the submitters: PubMed 17576681; PubMed 9536098.

NM_001085487.3(MYSM1):c.320+5G>A

Gene: MYSM1 (Myb like, SWIRM and MPN domains 1; minus strand). Cytogenetic location: 1p32.1.
Variant type: single nucleotide variant.
Coding change: c.320+5G>A on transcript NM_001085487.3 (MANE Select); 5 bases into the intron after coding-DNA position 320, G replaced by A.
Molecular consequence: intron variant.
Genome position (GRCh38, 1-based): chr1:58,690,221, C>T on the plus strand (G>A on the coding strand, the complement: MYSM1 is on the minus strand). VCF-style: chr1-58690221-C-T. GRCh37 (hg19) VCF-style: chr1-59155893-C-T.
Identifiers: ClinVar variation 1511214 (VCV001511214.6), dbSNP rs2100672917, ClinGen allele CA2573132489.